The following is an entry in ClinVar:

NM_016148.5(SHANK1):c.239C>T (p.Pro80Leu)

Gene: SHANK1 (SH3 and multiple ankyrin repeat domains 1; minus strand). Cytogenetic location: 19q13.33.
Variant type: single nucleotide variant.
Coding change: c.239C>T on transcript NM_016148.5 (MANE Select); coding-DNA position 239, C replaced by T.
Protein change: p.Pro80Leu; replaces proline 80 with leucine.
Molecular consequence: missense variant.
Genome position (GRCh38, 1-based): chr19:50,716,681, G>A on the plus strand (C>T on the coding strand, the complement: SHANK1 is on the minus strand). VCF-style: chr19-50716681-G-A. GRCh37 (hg19) VCF-style: chr19-51219938-G-A.
Other names: short protein forms P80L.
Identifiers: ClinVar variation 3359694 (VCV003359694.1).
Genomic context (GRCh38, chr19:50,716,681, plus strand): 5'-GGCACTGTCCCTCTCCTGCCGCTGGCCAGTGGGCAGGTACTCACTGTCTGGTGCAGGTCC[G>A]GGATGCCAATCCTGAAGACCATCATGCTGAAGTGGGCGTCGTCTGGGACGGACATTGAGC-3'
Protein context (NP_057232.2, residues 70-90): FSMMVFRIGI[Pro80Leu]DLHQTKCLRF

ClinVar aggregate classification (germline): Uncertain significance (1 of 4 stars; one submission).

Submission:

GeneDx
Classification: Uncertain significance. Last evaluated: 2023-06-13. Review status: criteria provided, single submitter. Criteria: GeneDx Variant Classification Process June 2021. Collection method: clinical testing. Allele origin: germline. Affected: yes.
Comment: Not observed at significant frequency in large population cohorts (gnomAD); In silico analysis supports that this missense variant has a deleterious effect on protein structure/function; Has not been previously published as pathogenic or benign to our knowledge